The following is an entry in ClinVar:

ClinVar aggregate classification (germline): Uncertain significance (1 of 4 stars; one submission).

Submission:

Labcorp Genetics (formerly Invitae), Labcorp
Classification: Uncertain significance. Last evaluated: 2023-12-20. Review status: criteria provided, single submitter. Criteria: Invitae Variant Classification Sherloc (09022015). Collection method: clinical testing. Allele origin: germline.
Comment: This sequence change replaces asparagine, which is neutral and polar, with lysine, which is basic and polar, at codon 424 of the FSCN2 protein (p.Asn424Lys). This variant is not present in population databases (gnomAD no frequency). This variant has not been reported in the literature in individuals affected with FSCN2-related conditions. ClinVar contains an entry for this variant (Variation ID: 1041049). An algorithm developed to predict the effect of missense changes on protein structure and function (PolyPhen-2) suggests that this variant is likely to be disruptive. In summary, the available evidence is currently insufficient to determine the role of this variant in disease. Therefore, it has been classified as a Variant of Uncertain Significance.

NM_012418.4(FSCN2):c.1200C>A (p.Asn400Lys)

Gene: FSCN2 (fascin actin-bundling protein 2, retinal; plus strand). Cytogenetic location: 17q25.3.
Variant type: single nucleotide variant.
Coding change: c.1200C>A on transcript NM_012418.4 (MANE Select); coding-DNA position 1200, C replaced by A.
Protein change: p.Asn400Lys; replaces asparagine 400 with lysine.
Molecular consequence: missense variant.
Genome position (GRCh38, 1-based): chr17:81,536,716, C>A. VCF-style: chr17-81536716-C-A. GRCh37 (hg19) VCF-style: chr17-79503742-C-A.
Other names: c.1272C>A, p.Asn424Lys (NM_001077182.3); short protein forms N400K, N424K.
Identifiers: ClinVar variation 1041049 (VCV001041049.9), dbSNP rs2032891679, ClinGen allele CA401478093.
Genomic context (GRCh38, chr17:81,536,716, plus strand): 5'-CCGGCCCATCCTGGTGCTGCGCGGCCTGGACGGCTTCGTCTGCCACCACCGCGGCTCCAA[C>A]CAGCTGGACACCAACCGCTCCGTCTACGACGTCTTCCACCTGAGCTTCAGCGACGGCGCC-3'
Protein context (NP_036550.1, residues 390-410): DGFVCHHRGS[Asn400Lys]QLDTNRSVYD